The following is an entry in ClinVar:

NM_024642.5(GALNT12):c.238G>A (p.Glu80Lys)

Gene: GALNT12 (polypeptide N-acetylgalactosaminyltransferase 12; plus strand). Cytogenetic location: 9q22.33.
Variant type: single nucleotide variant.
Coding change: c.238G>A on transcript NM_024642.5 (MANE Select); coding-DNA position 238, G replaced by A.
Protein change: p.Glu80Lys; replaces glutamic acid 80 with lysine.
Molecular consequence: missense variant.
Genome position (GRCh38, 1-based): chr9:98,807,936, G>A. VCF-style: chr9-98807936-G-A. GRCh37 (hg19) VCF-style: chr9-101570218-G-A.
Other names: short protein forms E80K.
Identifiers: ClinVar variation 4261502 (VCV004261502.1).
Genomic context (GRCh38, chr9:98,807,936, plus strand): 5'-CGGCGCGAGCCGGTCATGCCGCGGCCGCCGGTGCCGGCGAACGCGCTGGGCGCGCGGGGC[G>A]AGGCGGTGCGGCTGCAGCTGCAGGGCGAGGAGCTGCGGCTGCAGGAGGAGAGCGTGCGGC-3'
Protein context (NP_078918.3, residues 70-90): VPANALGARG[Glu80Lys]AVRLQLQGEE

ClinVar aggregate classification (germline): Uncertain significance (1 of 4 stars; one submission).

Submission:

Ambry Genetics
Classification: Uncertain significance. Last evaluated: 2025-08-15. Review status: criteria provided, single submitter. Criteria: Ambry Variant Classification Scheme 2023. Collection method: clinical testing. Allele origin: germline.
Comment: The p.E80K variant (also known as c.238G>A), located in coding exon 1 of the GALNT12 gene, results from a G to A substitution at nucleotide position 238. The glutamic acid at codon 80 is replaced by lysine, an amino acid with similar properties. This amino acid position is conserved. In addition, this alteration is predicted to be tolerated by in silico analysis. Based on the available evidence, the clinical significance of this variant remains unclear.